The following is an entry in ClinVar:

NM_001853.4(COL9A3):c.2026G>A (p.Gly676Arg)

Gene: COL9A3 (collagen type IX alpha 3 chain; plus strand). Cytogenetic location: 20q13.33.
Variant type: single nucleotide variant.
Coding change: c.2026G>A on transcript NM_001853.4 (MANE Select); coding-DNA position 2026, G replaced by A.
Protein change: p.Gly676Arg; replaces glycine 676 with arginine.
Molecular consequence: missense variant.
Genome position (GRCh38, 1-based): chr20:62,840,703, G>A. VCF-style: chr20-62840703-G-A. GRCh37 (hg19) VCF-style: chr20-61472055-G-A.
Other names: short protein forms G676R.
Identifiers: ClinVar variation 1383636 (VCV001383636.6), dbSNP rs147009104, ClinGen allele CA9950292.

ClinVar aggregate classification (germline): Uncertain significance (1 of 4 stars; one submission).

Allele frequency attached by ClinVar (database versions not stated): ExAC 0.00002; gnomAD exomes 0.00002; gnomAD 0.00005; TOPMed 0.00005; ESP Exome Variant Server 0.00015.
gnomAD v4.1: 34 of 1,589,348 alleles (0.0021%); highest among the groups gnomAD compares: African/African-American, 0.008%; no homozygotes.

Submission:

Labcorp Genetics (formerly Invitae), Labcorp
Classification: Uncertain significance. Last evaluated: 2025-08-10. Review status: criteria provided, single submitter. Criteria: Invitae Variant Classification Sherloc (09022015). Collection method: clinical testing. Allele origin: germline.
Comment: This sequence change replaces glycine, which is neutral and non-polar, with arginine, which is basic and polar, at codon 676 of the COL9A3 protein (p.Gly676Arg). The frequency data for this variant in the population databases is considered unreliable, as metrics indicate poor data quality at this position in the gnomAD database. This variant has not been reported in the literature in individuals affected with COL9A3-related conditions. ClinVar contains an entry for this variant (Variation ID: 1383636). Invitae Evidence Modeling of protein sequence and biophysical properties (such as structural, functional, and spatial information, amino acid conservation, physicochemical variation, residue mobility, and thermodynamic stability) indicates that this missense variant is not expected to disrupt COL9A3 protein function with a negative predictive value of 95%. In summary, the available evidence is currently insufficient to determine the role of this variant in disease. Therefore, it has been classified as a Variant of Uncertain Significance.